The following is an entry in ClinVar:

NM_001257096.2(PAX1):c.1317G>A (p.Lys439=)

Gene: PAX1 (paired box 1; plus strand). Cytogenetic location: 20p11.22.
Variant type: single nucleotide variant.
Coding change: c.1317G>A on transcript NM_001257096.2 (MANE Select); coding-DNA position 1317, G replaced by A.
Protein change: p.Lys439=; no amino-acid change (lysine 439 retained).
Molecular consequence: synonymous variant. On other transcripts: missense variant (1).
Genome position (GRCh38, 1-based): chr20:21,714,505, G>A. VCF-style: chr20-21714505-G-A. GRCh37 (hg19) VCF-style: chr20-21695143-G-A.
Other names: c.1307G>A, p.Arg436Lys (NM_006192.5); c.1307G>A (NM_006192.3); short protein forms R436K.
Identifiers: ClinVar variation 1481904 (VCV001481904.7), dbSNP rs576511271, ClinGen allele CA9786759.

ClinVar aggregate classification (germline): Uncertain significance. Review status: criteria provided, multiple submitters, no conflicts (2 of 4 stars). 2 submissions from 2 submitters: Uncertain significance (2). Last evaluated 2025-07-15.

Conditions:
Inborn genetic diseases. Identifiers: MedGen C0950123, MeSH D030342.

Allele frequency attached by ClinVar (database versions not stated): TOPMed 0.00002; gnomAD exomes 0.00003 and 0.00004; gnomAD 0.00007; ExAC 0.00015; 1000 Genomes Project 30x 0.00047; 1000 Genomes Project 0.00060.
gnomAD v4.1: 47 of 1,593,040 alleles (0.003%); highest among the groups gnomAD compares: South Asian, 0.051%; 2 homozygotes.

Submissions (2):

Ambry Genetics
Classification: Uncertain significance for Inborn genetic diseases. Last evaluated: 2025-07-15. Review status: criteria provided, single submitter. Criteria: Ambry Variant Classification Scheme 2023. Collection method: clinical testing. Allele origin: germline.

Labcorp Genetics (formerly Invitae), Labcorp
Classification: Uncertain significance. Last evaluated: 2022-01-06. Review status: criteria provided, single submitter. Criteria: Invitae Variant Classification Sherloc (09022015). Collection method: clinical testing. Allele origin: germline.
Comment: This sequence change replaces arginine, which is basic and polar, with lysine, which is basic and polar, at codon 436 of the PAX1 protein (p.Arg436Lys). This variant is present in population databases (rs576511271, gnomAD 0.03%). This variant has not been reported in the literature in individuals affected with PAX1-related conditions. Algorithms developed to predict the effect of missense changes on protein structure and function output the following: SIFT: "Deleterious"; PolyPhen-2: "Benign"; Align-GVGD: "Class C0". The lysine amino acid residue is found in multiple mammalian species, which suggests that this missense change does not adversely affect protein function. In summary, the available evidence is currently insufficient to determine the role of this variant in disease. Therefore, it has been classified as a Variant of Uncertain Significance.